The following is an entry in ClinVar:

ClinVar aggregate classification (germline): Uncertain significance (1 of 4 stars; one submission).

Conditions:
Familial hypercholesterolemia. Also called: Familial hypercholesterolaemia. Identifiers: MedGen C0020445, MONDO:0005439.

Submission:

Color Diagnostics, LLC DBA Color Health
Classification: Uncertain significance for Familial hypercholesterolemia. Last evaluated: 2025-08-17. Review status: criteria provided, single submitter. Criteria: ACMG Guidelines, 2015. Collection method: clinical testing. Allele origin: germline.
Comment: This missense variant replaces leucine with serine at codon 351 of the PCSK9 protein. Computational prediction suggests that this variant may not impact protein structure and function. To our knowledge, functional studies have not been reported for this variant. This variant has not been reported in individuals affected with PCSK9-related disorders in the literature. This variant has not been identified in the general population by the Genome Aggregation Database (gnomAD). The available evidence is insufficient to determine the role of this variant in disease conclusively. Therefore, this variant is classified as a Variant of Uncertain Significance.

NM_174936.4(PCSK9):c.1052T>C (p.Leu351Ser)

Gene: PCSK9 (proprotein convertase subtilisin/kexin type 9; plus strand). Cytogenetic location: 1p32.3.
Variant type: single nucleotide variant.
Coding change: c.1052T>C on transcript NM_174936.4 (MANE Select); coding-DNA position 1052, T replaced by C.
Protein change: p.Leu351Ser; replaces leucine 351 with serine.
Molecular consequence: missense variant. On other transcripts: non-coding transcript variant (7).
Genome position (GRCh38, 1-based): chr1:55,057,386, T>C. VCF-style: chr1-55057386-T-C. GRCh37 (hg19) VCF-style: chr1-55523059-T-C.
Other names: c.1175T>C, p.Leu392Ser (NM_001407240.1); c.1052T>C, p.Leu351Ser (NM_001407241.1, NM_001407244.1, NM_001407247.1); c.1055T>C, p.Leu352Ser (NM_001407242.1); c.995T>C, p.Leu332Ser (NM_001407243.1); c.860T>C, p.Leu287Ser (NM_001407245.1); c.677T>C, p.Leu226Ser (NM_001407246.1); short protein forms L226S, L287S, L332S, L351S, L352S, L392S.
Identifiers: ClinVar variation 4757998 (VCV004757998.1).